The following is an entry in ClinVar:

NM_173653.4(SLC9A9):c.1268G>A (p.Arg423Gln)

Gene: SLC9A9 (solute carrier family 9 member A9; minus strand). Cytogenetic location: 3q24.
Variant type: single nucleotide variant.
Coding change: c.1268G>A on transcript NM_173653.4 (MANE Select); coding-DNA position 1268, G replaced by A.
Protein change: p.Arg423Gln; replaces arginine 423 with glutamine.
Molecular consequence: missense variant.
Genome position (GRCh38, 1-based): chr3:143,493,700, C>T on the plus strand (G>A on the coding strand, the complement: SLC9A9 is on the minus strand). VCF-style: chr3-143493700-C-T. GRCh37 (hg19) VCF-style: chr3-143212542-C-T.
Other names: short protein forms R423Q.
Identifiers: ClinVar variation 1691277 (VCV001691277.4), dbSNP rs368254745, ClinGen allele CA2653896.

ClinVar aggregate classification (germline): Uncertain significance (1 of 4 stars; one submission).

Conditions:
Autism, susceptibility to, 16. Also called: AUTISM WITH OR WITHOUT SEIZURES; Autism susceptibility 16. Identifiers: MedGen C3150677, MONDO:0013258, OMIM 613410.

Allele frequency attached by ClinVar (database versions not stated): gnomAD exomes 0.00001 and 0.00005; ExAC 0.00002; ESP Exome Variant Server 0.00008; TOPMed 0.00008.
gnomAD v4.1: 80 of 1,613,950 alleles (0.005%); highest among the groups gnomAD compares: African/African-American, 0.017%; no homozygotes.

Submission:

Diagnostics Services (NGS), CSIR - Centre For Cellular And Molecular Biology
Classification: Uncertain significance for Autism, susceptibility to, 16. Last evaluated: 2022-03-09. Review status: criteria provided, single submitter. Criteria: ACMG Guidelines, 2015. Collection method: clinical testing. Allele origin: unknown. Inheritance: Autosomal dominant inheritance. Affected: yes. Observed: 1 variant allele, 1 heterozygote.
Comment: The c.1268G>A variant is present in publicly available population databases like Exome Variant Server (EVS), Exome Aggregation Consortium (ExAC) and Genome Aggregation Database (gnomAD) in very low frequency. The variant is not present in 1000 Genomes, Indian Exome Database and in our in-house exome database. The variant has not been reported in literature in affected individuals. In-silico pathogenicity prediction programs like SIFT, Polyphen-2, MutationTaster2, CADD, predicted the variant to be likely deleterious, however these predictions were not confirmed by any published functional studies.

Literature cited by the submitters: PubMed 30927234.